The following is an entry in ClinVar:

ClinVar aggregate classification (germline): Likely pathogenic (1 of 4 stars; one submission).

Conditions:
Early-infantile DEE. Also called: Ohtahara syndrome; Early infantile epileptic encephalopathy; Early infantile epileptic encephalopathy with suppression bursts. Identifiers: Orphanet 1934, MedGen C0393706, MONDO:0800491.

Submission:

Labcorp Genetics (formerly Invitae), Labcorp
Classification: Likely pathogenic for Early-infantile DEE. Last evaluated: 2023-09-04. Review status: criteria provided, single submitter. Criteria: Invitae Variant Classification Sherloc (09022015). Collection method: clinical testing. Allele origin: germline.
Comment: In summary, the currently available evidence indicates that the variant is pathogenic, but additional data are needed to prove that conclusively. Therefore, this variant has been classified as Likely Pathogenic. This variant disrupts the p.Leu245 amino acid residue in KCNQ2. Other variant(s) that disrupt this residue have been determined to be pathogenic (Invitae). This suggests that this residue is clinically significant, and that variants that disrupt this residue are likely to be disease-causing. Advanced modeling of protein sequence and biophysical properties (such as structural, functional, and spatial information, amino acid conservation, physicochemical variation, residue mobility, and thermodynamic stability) performed at Invitae indicates that this missense variant is expected to disrupt KCNQ2 protein function. This variant has not been reported in the literature in individuals affected with KCNQ2-related conditions. This variant is not present in population databases (gnomAD no frequency). This sequence change replaces leucine, which is neutral and non-polar, with valine, which is neutral and non-polar, at codon 245 of the KCNQ2 protein (p.Leu245Val).

NM_172107.4(KCNQ2):c.733C>G (p.Leu245Val)

Gene: KCNQ2 (potassium voltage-gated channel subfamily Q member 2; minus strand). Cytogenetic location: 20q13.33.
Variant type: single nucleotide variant.
Coding change: c.733C>G on transcript NM_172107.4 (MANE Select); coding-DNA position 733, C replaced by G.
Protein change: p.Leu245Val; replaces leucine 245 with valine.
Molecular consequence: missense variant.
Genome position (GRCh38, 1-based): chr20:63,442,489, G>C on the plus strand (C>G on the coding strand, the complement: KCNQ2 is on the minus strand). VCF-style: chr20-63442489-G-C. GRCh37 (hg19) VCF-style: chr20-62073842-G-C.
Other names: c.733C>G, p.Leu245Val (NM_172108.5, NM_172109.3, NM_001382235.1 and 2 more transcripts); short protein forms L245V.
Identifiers: ClinVar variation 2757951 (VCV002757951.3), dbSNP rs1409265816, ClinGen allele CA409653963.
Genomic context (GRCh38, chr20:63,442,489, plus strand): 5'-CGTAGGTGTCAAAGTGGTCGTTCTCCCCCTTCTCTGCCAAGTACACCAGGAACGAGGCCA[G>C]GATGAGACAAAGGAAGCCGATGTACCAGGCAGTGACCAGCTCCTGAGAGGCAGACGGCAC-3'
Protein context (NP_742105.1, residues 235-255): AWYIGFLCLI[Leu245Val]ASFLVYLAEK